The following is an entry in ClinVar:

NM_006734.4(HIVEP2):c.2372G>T (p.Gly791Val)

Gene: HIVEP2 (HIVEP zinc finger 2; minus strand). Cytogenetic location: 6q24.2.
Variant type: single nucleotide variant.
Coding change: c.2372G>T on transcript NM_006734.4 (MANE Select); coding-DNA position 2372, G replaced by T.
Protein change: p.Gly791Val; replaces glycine 791 with valine.
Molecular consequence: missense variant.
Genome position (GRCh38, 1-based): chr6:142,772,367, C>A on the plus strand (G>T on the coding strand, the complement: HIVEP2 is on the minus strand). VCF-style: chr6-142772367-C-A. GRCh37 (hg19) VCF-style: chr6-143093504-C-A.
Other names: c.2372G>T (NM_006734.3); short protein forms G791V.
Identifiers: ClinVar variation 2863292 (VCV002863292.5), dbSNP rs755585640, ClinGen allele CA4028426.

ClinVar aggregate classification (germline): Conflicting classifications of pathogenicity. Review status: criteria provided, conflicting classifications (1 of 4 stars). 3 submissions from 3 submitters: Uncertain significance (1); Likely benign (2). Last evaluated 2025-07-01.

Conditions:
Inborn genetic diseases. Identifiers: MedGen C0950123, MeSH D030342.

Allele frequency attached by ClinVar (database versions not stated): ExAC 0.00002; gnomAD 0.00005.
gnomAD v4.1: 20 of 1,614,230 alleles (0.0012%); highest among the groups gnomAD compares: African/African-American, 0.027%; no homozygotes.

Submissions (3):

Ambry Genetics
Classification: Likely benign for Inborn genetic diseases. Last evaluated: 2025-07-01. Review status: criteria provided, single submitter. Criteria: Ambry Variant Classification Scheme 2023. Collection method: clinical testing. Allele origin: germline.

Labcorp Genetics (formerly Invitae), Labcorp
Classification: Likely benign. Last evaluated: 2024-10-27. Review status: criteria provided, single submitter. Criteria: Invitae Variant Classification Sherloc (09022015). Collection method: clinical testing. Allele origin: germline.

Women's Health and Genetics/Laboratory Corporation of America, LabCorp
Classification: Uncertain significance. Last evaluated: 2024-10-01. Review status: criteria provided, single submitter. Criteria: LabCorp Variant Classification Summary - May 2015. Collection method: clinical testing. Allele origin: germline.
Comment: Variant summary: HIVEP2 c.2372G>T (p.Gly791Val) results in a non-conservative amino acid change in the encoded protein sequence. Three of five in-silico tools predict a benign effect of the variant on protein function. The variant allele was found at a frequency of 8e-06 in 249560 control chromosomes (gnomAD). The available data on variant occurrences in the general population are insufficient to allow any conclusion about variant significance. To our knowledge, no occurrence of c.2372G>T in individuals affected with Intellectual Disability, Autosomal Dominant 43 and no experimental evidence demonstrating its impact on protein function have been reported. ClinVar contains an entry for this variant (Variation ID: 2863292). Based on the evidence outlined above, the variant was classified as uncertain significance.